The following is an entry in ClinVar:

NM_001844.5(COL2A1):c.1585del (p.Ala529fs)

Gene: COL2A1 (collagen type II alpha 1 chain; minus strand). Cytogenetic location: 12q13.11.
Variant type: Deletion.
Coding change: c.1585del on transcript NM_001844.5 (MANE Select); coding-DNA position 1585, one base deleted (G; older notation c.1585delG).
Protein change: p.Ala529fs; shifts the reading frame from alanine 529.
Molecular consequence: frameshift variant.
Genome position (GRCh38, 1-based): chr12:47,985,823, C deleted on the plus strand (G on the coding strand, the reverse complement: COL2A1 is on the minus strand). VCF-style (leftmost placement, unchanged base first): chr12-47985822-GC-G. GRCh37 (hg19) VCF-style: chr12-48379605-GC-G.
Other names: c.1378del, p.Ala460fs (NM_033150.3); short protein forms A460fs, A529fs.
Identifiers: ClinVar variation 3648207 (VCV003648207.2).

ClinVar aggregate classification (germline): Pathogenic (1 of 4 stars; one submission).

Submission:

Labcorp Genetics (formerly Invitae), Labcorp
Classification: Pathogenic. Last evaluated: 2024-07-23. Review status: criteria provided, single submitter. Criteria: Invitae Variant Classification Sherloc (09022015). Collection method: clinical testing. Allele origin: germline.
Comment: This sequence change creates a premature translational stop signal (p.Ala529Profs*100) in the COL2A1 gene. It is expected to result in an absent or disrupted protein product. Loss-of-function variants in COL2A1 are known to be pathogenic (PMID: 20179744). This variant is not present in population databases (gnomAD no frequency). This variant has not been reported in the literature in individuals affected with COL2A1-related conditions. For these reasons, this variant has been classified as Pathogenic.

Literature cited by the submitters: PubMed 20179744.